The following is an entry in ClinVar:

NM_001042492.3(NF1):c.1664T>G (p.Leu555Ter)

Gene: NF1 (neurofibromin 1; plus strand). Cytogenetic location: 17q11.2.
Variant type: single nucleotide variant.
Coding change: c.1664T>G on transcript NM_001042492.3 (MANE Select); coding-DNA position 1664, T replaced by G.
Protein change: p.Leu555Ter; replaces leucine 555 with a stop codon.
Molecular consequence: nonsense.
Genome position (GRCh38, 1-based): chr17:31,221,872, T>G. VCF-style: chr17-31221872-T-G. GRCh37 (hg19) VCF-style: chr17-29548890-T-G.
Other names: c.1664T>G, p.Leu555Ter (NM_000267.4, NM_001128147.3); short protein forms L555*.
Identifiers: ClinVar variation 1427588 (VCV001427588.9), dbSNP rs2144004029, ClinGen allele CA399002251.

ClinVar aggregate classification (germline): Pathogenic. Review status: criteria provided, multiple submitters, no conflicts (2 of 4 stars). 2 submissions from 2 submitters: Pathogenic (2). Last evaluated 2024-07-01.

Conditions:
Neurofibromatosis, type 1 (NF1). Also called: VON RECKLINGHAUSEN DISEASE; NEUROFIBROMATOSIS, TYPE I, SOMATIC; Neurofibromatosis, type I; Peripheral type neurofibromatosis. Identifiers: Orphanet 636, MedGen C0027831, MONDO:0018975, OMIM 162200. Disease mechanism: loss of function.

Submissions (2):

NHS Central & South Genomic Laboratory Hub
Classification: Pathogenic for Neurofibromatosis type 1. Last evaluated: 2024-07-01. Review status: criteria provided, single submitter. Criteria: ACMG Guidelines, 2015. Collection method: clinical testing. Allele origin: germline. Affected: yes.

Labcorp Genetics (formerly Invitae), Labcorp
Classification: Pathogenic for Neurofibromatosis, type 1. Last evaluated: 2020-10-30. Review status: criteria provided, single submitter. Criteria: Invitae Variant Classification Sherloc (09022015). Collection method: clinical testing. Allele origin: germline.
Comment: This sequence change creates a premature translational stop signal (p.Leu555*) in the NF1 gene. It is expected to result in an absent or disrupted protein product. Loss-of-function variants in NF1 are known to be pathogenic (PMID: 10712197, 23913538). For these reasons, this variant has been classified as Pathogenic. This variant has been observed in individual(s) with neurofibromatosis type 1 (PMID: 28529006). This variant is not present in population databases (ExAC no frequency).

Literature cited by the submitters: PubMed 10712197 (cited by Labcorp Genetics (formerly Invitae), Labcorp); PubMed 23913538 (cited by Labcorp Genetics (formerly Invitae), Labcorp); PubMed 28529006 (cited by Labcorp Genetics (formerly Invitae), Labcorp).